The following is an entry in ClinVar:

NM_000059.4(BRCA2):c.8777T>A (p.Leu2926Ter)

Gene: BRCA2 (BRCA2 DNA repair associated; plus strand). Cytogenetic location: 13q13.1.
Variant type: single nucleotide variant.
Coding change: c.8777T>A on transcript NM_000059.4 (MANE Select); coding-DNA position 8777, T replaced by A.
Protein change: p.Leu2926Ter; replaces leucine 2926 with a stop codon.
Molecular consequence: nonsense.
Genome position (GRCh38, 1-based): chr13:32,379,339, T>A. VCF-style: chr13-32379339-T-A. GRCh37 (hg19) VCF-style: chr13-32953476-T-A.
Other names: 9005T>A (L2926X); p.Leu2926*; short protein forms L2926*.
Identifiers: ClinVar variation 267106 (VCV000267106.17), dbSNP rs886040791, ClinGen allele CA10589516.

ClinVar aggregate classification (germline): Pathogenic. Review status: reviewed by expert panel (3 of 4 stars). 8 submissions from 8 submitters: Pathogenic (1). 7 of the submissions do not count toward it. Last evaluated 2016-10-18.

Conditions:
Hereditary cancer-predisposing syndrome. Also called: Hereditary neoplastic syndrome; Neoplastic Syndromes, Hereditary; Tumor predisposition; Hereditary Cancer Syndrome. Identifiers: Orphanet 140162, MedGen C0027672, MeSH D009386, MONDO:0015356.
Breast-ovarian cancer, familial, susceptibility to, 2 (BROVCA2). Also called: BRCA2 Hereditary Breast and Ovarian Cancer. Identifiers: Orphanet 145, MedGen C2675520, MONDO:0012933, OMIM 612555. Disease mechanism: loss of function.
Hereditary breast ovarian cancer syndrome. Also called: BRCA1- and BRCA2-Associated Hereditary Breast and Ovarian Cancer; Hereditary breast and ovarian cancer; Breast and ovarian cancer; Hereditary breast and/or ovarian cancer syndrome; Hereditary breast and ovarian cancer syndrome; Hereditary breast and ovarian cancer syndrome (HBOC). Identifiers: Orphanet 145, MedGen C0677776, MeSH D061325, MONDO:0003582. Disease mechanism: loss of function.

Allele frequency attached by ClinVar (database versions not stated): TOPMed below 0.00001.

Submissions (8):

Evidence-based Network for the Interpretation of Germline Mutant Alleles (ENIGMA)
Classification: Pathogenic for Breast-ovarian cancer, familial, susceptibility to, 2. Last evaluated: 2016-10-18. Review status: reviewed by expert panel. Criteria: ENIGMA BRCA1/2 Classification Criteria (2015). Collection method: curation. Allele origin: germline.
Comment: Variant allele predicted to encode a truncated non-functional protein.

Labcorp Genetics (formerly Invitae), Labcorp
Classification: Pathogenic for Hereditary breast ovarian cancer syndrome. Last evaluated: 2025-02-25. Review status: criteria provided, single submitter. Criteria: Invitae Variant Classification Sherloc (09022015). Collection method: clinical testing. Allele origin: germline. Not counted in ClinVar's aggregate classification.
Comment: This sequence change creates a premature translational stop signal (p.Leu2926*) in the BRCA2 gene. It is expected to result in an absent or disrupted protein product. Loss-of-function variants in BRCA2 are known to be pathogenic (PMID: 20104584). This variant is not present in population databases (gnomAD no frequency). This premature translational stop signal has been observed in individual(s) with breast cancer (PMID: 26287763, 28538113, 29446198). ClinVar contains an entry for this variant (Variation ID: 267106). For these reasons, this variant has been classified as Pathogenic.

Mayo Clinic Laboratories, Mayo Clinic
Classification: Pathogenic. Last evaluated: 2024-11-20. Review status: criteria provided, single submitter. Criteria: ACMG Guidelines, 2015. Collection method: clinical testing. Allele origin: germline. Observed: 1 variant allele. Not counted in ClinVar's aggregate classification.
Comment: PM2_supporting, PM5_strong, PVS1

Ambry Genetics
Classification: Pathogenic for Hereditary cancer-predisposing syndrome. Last evaluated: 2024-05-14. Review status: criteria provided, single submitter. Criteria: Ambry Variant Classification Scheme 2023. Collection method: clinical testing. Allele origin: germline. Not counted in ClinVar's aggregate classification.
Comment: The p.L2926* pathogenic mutation (also known as c.8777T>A), located in coding exon 21 of the BRCA2 gene, results from a T to A substitution at nucleotide position 8777. This changes the amino acid from a leucine to a stop codon within coding exon 21. This variant is considered to be rare based on population cohorts in the Genome Aggregation Database (gnomAD). This mutation has been identified in female breast cancer patients (Pal T et al. Cancer. 2015 Dec 1;121(23):4173-80). In addition to the clinical data presented in the literature, this alteration is expected to result in loss of function by premature protein truncation or nonsense-mediated mRNA decay. As such, this alteration is interpreted as a disease-causing mutation.

Color Diagnostics, LLC DBA Color Health
Classification: Pathogenic for Hereditary cancer-predisposing syndrome. Last evaluated: 2020-06-22. Review status: criteria provided, single submitter. Criteria: ACMG Guidelines, 2015. Collection method: clinical testing. Allele origin: germline. Not counted in ClinVar's aggregate classification.
Comment: This variant changes 1 nucleotide in exon 22 of the BRCA2 gene, creating a premature translation stop signal. This variant is expected to result in an absent or non-functional protein product. This variant has been reported in an individual affected with breast cancer (PMID: 26287763). This variant has not been identified in the general population by the Genome Aggregation Database (gnomAD). Loss of BRCA2 function is a known mechanism of disease. Based on the available evidence, this variant is classified as Pathogenic.

Women's Health and Genetics/Laboratory Corporation of America, LabCorp
Classification: Pathogenic for Hereditary breast and ovarian cancer syndrome. Last evaluated: 2018-05-18. Review status: criteria provided, single submitter. Criteria: LabCorp Variant Classification Summary - May 2015. Collection method: clinical testing. Allele origin: germline. Not counted in ClinVar's aggregate classification.
Comment: Variant summary: BRCA2 c.8777T>A (p.Leu2926X) results in a premature termination codon, predicted to cause a truncation of the encoded protein or absence of the protein due to nonsense mediated decay, which are commonly known mechanisms for disease. Truncations downstream of this position have been classified as pathogenic by our laboratory (eg. c.9253dupA/p.Thr3085fsX26, c.9294C>G/p.Tyr3098X). The variant was absent in 120162 control chromosomes. c.8777T>A has been reported in the literature in individuals affected with Hereditary Breast and Ovarian Cancer (Pal_2015, Movassagh_2017). These data indicate that the variant may be associated with disease. To our knowledge, no experimental evidence demonstrating an impact on protein function has been reported. Three clinical diagnostic laboratories have submitted clinical-significance assessments for this variant to ClinVar after 2014 without evidence for independent evaluation. All laboratories classified the variant as pathogenic/likely pathogenic. Based on the evidence outlined above, the variant was classified as pathogenic.

GeneDx
Classification: Pathogenic. Last evaluated: 2016-09-30. Review status: criteria provided, single submitter. Criteria: GeneDx Variant Classification (06012015). Collection method: clinical testing. Allele origin: germline. Affected: yes. Not counted in ClinVar's aggregate classification.
Comment: This variant is denoted BRCA2 c.8777T>A at the cDNA level and p.Leu2926Ter (L2926X) at the protein level. The substitution creates a nonsense variant, which changes a Leucine to a premature stop codon (TTA>TAA), and is predicted to cause loss of normal protein function through either protein truncation or nonsense-mediated mRNA decay. This variant has been reported in at least one case of early-onset breast cancer (Pal 2015) and is considered pathogenic.

Consortium of Investigators of Modifiers of BRCA1/2 (CIMBA), c/o University of Cambridge
Classification: Pathogenic for Breast-ovarian cancer, familial, susceptibility to, 2. Last evaluated: 2015-10-02. Review status: criteria provided, single submitter. Criteria: CIMBA Mutation Classification guidelines May 2016. Collection method: clinical testing. Allele origin: germline. Not counted in ClinVar's aggregate classification.

Literature cited by the submitters: PubMed 20104584 (cited by Labcorp Genetics (formerly Invitae), Labcorp); PubMed 26287763 (cited by 3 submitters); PubMed 28538113 (cited by Labcorp Genetics (formerly Invitae), Labcorp and Women's Health and Genetics/Laboratory Corporation of America, LabCorp); PubMed 29446198 (cited by Labcorp Genetics (formerly Invitae), Labcorp).